The following is an entry in ClinVar:

ClinVar aggregate classification (germline): Uncertain significance (1 of 4 stars; one submission).

Conditions:
Hypertrophic cardiomyopathy 14. Identifiers: MedGen C2750467, MONDO:0013197, OMIM 613251.

Allele frequency attached by ClinVar (database versions not stated): gnomAD exomes below 0.00001; TOPMed below 0.00001.
gnomAD v4.1: 3 of 1,612,664 alleles (0.00019%); highest among the groups gnomAD compares: Admixed American, 0.0017%; no homozygotes.

Submission:

Labcorp Genetics (formerly Invitae), Labcorp
Classification: Uncertain significance for Hypertrophic cardiomyopathy 14. Last evaluated: 2021-03-08. Review status: criteria provided, single submitter. Criteria: Invitae Variant Classification Sherloc (09022015). Collection method: clinical testing. Allele origin: germline.
Comment: This variant is not present in population databases (ExAC no frequency). This sequence change affects a donor splice site in intron 18 of the MYH6 gene. It is expected to disrupt RNA splicing. Variants that disrupt the donor or acceptor splice site typically lead to a loss of protein function (PMID: 16199547), however the current clinical and genetic evidence is not sufficient to establish whether loss-of-function variants in MYH6 cause disease. This variant has been observed in individual(s) with clinical features of MYH6-related conditions (PMID: 29536580). Algorithms developed to predict the effect of sequence changes on RNA splicing suggest that this variant may disrupt the consensus splice site, but this prediction has not been confirmed by published transcriptional studies. In summary, the available evidence is currently insufficient to determine the role of this variant in disease. Therefore, it has been classified as a Variant of Uncertain Significance.

Literature cited by the submitters: PubMed 16199547; PubMed 29536580.

NM_002471.4(MYH6):c.2168+1G>A

Gene: MYH6 (myosin heavy chain 6; minus strand). Cytogenetic location: 14q11.2.
Variant type: single nucleotide variant.
Coding change: c.2168+1G>A on transcript NM_002471.4 (MANE Select); the canonical splice donor site of the intron after coding-DNA position 2168, G replaced by A.
Molecular consequence: splice donor variant.
Genome position (GRCh38, 1-based): chr14:23,396,962, C>T on the plus strand (G>A on the coding strand, the complement: MYH6 is on the minus strand). VCF-style: chr14-23396962-C-T. GRCh37 (hg19) VCF-style: chr14-23866171-C-T.
Identifiers: ClinVar variation 1421029 (VCV001421029.7), dbSNP rs1366141531, ClinGen allele CA389017439.